The following is an entry in ClinVar:

NM_003907.3(EIF2B5):c.1022A>G (p.Asn341Ser)

Gene: EIF2B5 (eukaryotic translation initiation factor 2B subunit epsilon; plus strand). Cytogenetic location: 3q27.1.
Variant type: single nucleotide variant.
Coding change: c.1022A>G on transcript NM_003907.3 (MANE Select); coding-DNA position 1022, A replaced by G.
Protein change: p.Asn341Ser; replaces asparagine 341 with serine.
Molecular consequence: missense variant.
Genome position (GRCh38, 1-based): chr3:184,140,596, A>G. VCF-style: chr3-184140596-A-G. GRCh37 (hg19) VCF-style: chr3-183858384-A-G.
Other names: short protein forms N341S.
Identifiers: ClinVar variation 3336554 (VCV003336554.1).

ClinVar aggregate classification (germline): Uncertain significance (1 of 4 stars; one submission).

Submission:

Women's Health and Genetics/Laboratory Corporation of America, LabCorp
Classification: Uncertain significance. Last evaluated: 2024-05-16. Review status: criteria provided, single submitter. Criteria: LabCorp Variant Classification Summary - May 2015. Collection method: clinical testing. Allele origin: germline.
Comment: Variant summary: EIF2B5 c.1022A>G (p.Asn341Ser) results in a conservative amino acid change in the encoded protein sequence. Three of four in-silico tools predict a damaging effect of the variant on protein function. The variant was absent in 251452 control chromosomes (gnomAD). The available data on variant occurrences in the general population are insufficient to allow any conclusion about variant significance. c.1022A>G has been reported in the literature in one individual affected with congenital disorders (Wei_2020). The report does not provide unequivocal conclusions about association of the variant with Leukoencephalopathy With Vanishing White Matter. To our knowledge, no experimental evidence demonstrating an impact on protein function has been reported. The following publications have been ascertained in the context of this evaluation (PMID: 37674283, 32978145). No submitters have cited clinical-significance assessments for this variant to ClinVar. Based on the evidence outlined above, the variant was classified as uncertain significance.

Literature cited by the submitters: PubMed 32978145; PubMed 37674283.